The following is an entry in ClinVar:

NM_001371986.1(UNC80):c.7493A>C (p.Gln2498Pro)

Gene: UNC80 (unc-80 subunit of NALCN channel complex; plus strand). Cytogenetic location: 2q34.
Variant type: single nucleotide variant.
Coding change: c.7493A>C on transcript NM_001371986.1 (MANE Select); coding-DNA position 7493, A replaced by C.
Protein change: p.Gln2498Pro; replaces glutamine 2498 with proline.
Molecular consequence: missense variant.
Genome position (GRCh38, 1-based): chr2:209,957,679, A>C. VCF-style: chr2-209957679-A-C. GRCh37 (hg19) VCF-style: chr2-210822403-A-C.
Other names: c.7295A>C, p.Gln2432Pro (NM_032504.2); c.7280A>C, p.Gln2427Pro (NM_182587.4); c.7295A>C (NM_032504.1); short protein forms Q2432P, Q2427P, Q2498P.
Identifiers: ClinVar variation 1928639 (VCV001928639.6), dbSNP rs2092462303, ClinGen allele CA350776179.

ClinVar aggregate classification (germline): Uncertain significance. Review status: criteria provided, multiple submitters, no conflicts (2 of 4 stars). 2 submissions from 2 submitters: Uncertain significance (2). Last evaluated 2024-08-04.

Conditions:
Inborn genetic diseases. Identifiers: MedGen C0950123, MeSH D030342.

Allele frequency attached by ClinVar (database versions not stated): gnomAD 0.00001; gnomAD exomes 0.00001; TOPMed 0.00001.
gnomAD v4.1: 8 of 1,551,406 alleles (0.00052%); highest among the groups gnomAD compares: African/African-American, 0.0014%; no homozygotes.

Submissions (2):

Ambry Genetics
Classification: Uncertain significance for Inborn genetic diseases. Last evaluated: 2024-08-04. Review status: criteria provided, single submitter. Criteria: Ambry Variant Classification Scheme 2023. Collection method: clinical testing. Allele origin: germline.

Labcorp Genetics (formerly Invitae), Labcorp
Classification: Uncertain significance. Last evaluated: 2022-04-13. Review status: criteria provided, single submitter. Criteria: Invitae Variant Classification Sherloc (09022015). Collection method: clinical testing. Allele origin: germline.
Comment: In summary, the available evidence is currently insufficient to determine the role of this variant in disease. Therefore, it has been classified as a Variant of Uncertain Significance. Algorithms developed to predict the effect of missense changes on protein structure and function are either unavailable or do not agree on the potential impact of this missense change (SIFT: "Not Available"; PolyPhen-2: "Possibly Damaging"; Align-GVGD: "Not Available"). This variant has not been reported in the literature in individuals affected with UNC80-related conditions. This variant is not present in population databases (gnomAD no frequency). This sequence change replaces glutamine, which is neutral and polar, with proline, which is neutral and non-polar, at codon 2432 of the UNC80 protein (p.Gln2432Pro).